The following is an entry in ClinVar:

ClinVar aggregate classification (germline): Uncertain significance (1 of 4 stars; one submission).

Submission:

Labcorp Genetics (formerly Invitae), Labcorp
Classification: Uncertain significance. Last evaluated: 2022-02-25. Review status: criteria provided, single submitter. Criteria: Invitae Variant Classification Sherloc (09022015). Collection method: clinical testing. Allele origin: germline.
Comment: In summary, the available evidence is currently insufficient to determine the role of this variant in disease. Therefore, it has been classified as a Variant of Uncertain Significance. Advanced modeling of protein sequence and biophysical properties (such as structural, functional, and spatial information, amino acid conservation, physicochemical variation, residue mobility, and thermodynamic stability) performed at Invitae indicates that this missense variant is not expected to disrupt MYO15A protein function. This variant has not been reported in the literature in individuals affected with MYO15A-related conditions. This variant is not present in population databases (gnomAD no frequency). This sequence change replaces alanine, which is neutral and non-polar, with serine, which is neutral and polar, at codon 2976 of the MYO15A protein (p.Ala2976Ser).

NM_016239.4(MYO15A):c.8926G>T (p.Ala2976Ser)

Gene: MYO15A (myosin XVA; plus strand). Cytogenetic location: 17p11.2.
Variant type: single nucleotide variant.
Coding change: c.8926G>T on transcript NM_016239.4 (MANE Select); coding-DNA position 8926, G replaced by T.
Protein change: p.Ala2976Ser; replaces alanine 2976 with serine.
Molecular consequence: missense variant.
Genome position (GRCh38, 1-based): chr17:18,157,859, G>T. VCF-style: chr17-18157859-G-T. GRCh37 (hg19) VCF-style: chr17-18061173-G-T.
Other names: short protein forms A2976S.
Identifiers: ClinVar variation 1934957 (VCV001934957.5), dbSNP rs995059398, ClinGen allele CA288415144.